The following is an entry in ClinVar:

ClinVar aggregate classification (germline): Conflicting classifications of pathogenicity. Review status: criteria provided, conflicting classifications (1 of 4 stars). 2 submissions from 2 submitters: Uncertain significance (1); Likely benign (1). Last evaluated 2025-04-09.

Allele frequency attached by ClinVar (database versions not stated): gnomAD 0.00001 and 0.00002; TOPMed 0.00001; gnomAD exomes 0.00005 and 0.00010; ExAC 0.00012; 1000 Genomes Project 30x 0.00016.

Submissions (2):

Labcorp Genetics (formerly Invitae), Labcorp
Classification: Uncertain significance. Last evaluated: 2025-04-09. Review status: criteria provided, single submitter. Criteria: Invitae Variant Classification Sherloc (09022015). Collection method: clinical testing. Allele origin: germline.
Comment: This sequence change creates a premature translational stop signal (p.Thr43Serfs*54) in the OPN1SW gene. It is expected to result in an absent or disrupted protein product. However, the current clinical and genetic evidence is not sufficient to establish whether loss-of-function variants in OPN1SW cause disease. This variant is present in population databases (rs764817802, gnomAD 0.06%), and has an allele count higher than expected for a pathogenic variant. This variant has not been reported in the literature in individuals affected with OPN1SW-related conditions. ClinVar contains an entry for this variant (Variation ID: 1064321). In summary, the available evidence is currently insufficient to determine the role of this variant in disease. Therefore, it has been classified as a Variant of Uncertain Significance.

Blueprint Genetics
Classification: Likely benign. Last evaluated: 2022-05-17. Review status: criteria provided, single submitter. Criteria: ACMG Guidelines, 2015. Collection method: clinical testing. Allele origin: germline.

NM_001385125.1(OPN1SW):c.119_120del (p.Thr40fs)

Gene: OPN1SW (opsin 1, short wave sensitive; minus strand). Cytogenetic location: 7q32.1.
Variant type: Deletion.
Coding change: c.119_120del on transcript NM_001385125.1 (MANE Select); coding-DNA positions 119 to 120, 2 bases deleted (CT; older notation c.119_120delCT).
Protein change: p.Thr40fs; shifts the reading frame from threonine 40.
Molecular consequence: frameshift variant.
Genome position (GRCh38, 1-based): chr7:128,775,662-128,775,663, AG deleted on the plus strand (CT on the coding strand, the reverse complement: OPN1SW is on the minus strand). VCF-style (leftmost placement, unchanged base first): chr7-128775661-CAG-C. GRCh37 (hg19) VCF-style: chr7-128415715-CAG-C.
Other names: short protein forms T40fs.
Identifiers: ClinVar variation 1064321 (VCV001064321.8), dbSNP rs764817802, ClinGen allele CA4473053.